The following is an entry in ClinVar:

ClinVar aggregate classification (germline): Likely benign. Review status: criteria provided, multiple submitters, no conflicts (2 of 4 stars). 2 submissions from 2 submitters: Likely benign (2). Last evaluated 2025-10-23.

Conditions:
MTOR-related disorder. Also called: MTOR-related condition.

Allele frequency attached by ClinVar (database versions not stated): ExAC 0.00001; gnomAD exomes 0.00002 and 0.00003; gnomAD 0.00004 and 0.00005; TOPMed 0.00004.
gnomAD v4.1: 54 of 1,613,406 alleles (0.0033%); highest among the groups gnomAD compares: Non-Finnish European, 0.0038%; no homozygotes.

Submissions (2):

PreventionGenetics, part of Exact Sciences
Classification: Likely benign for MTOR-related condition. Last evaluated: 2025-10-23. Review status: criteria provided, single submitter. Criteria: ACMG Guidelines, 2015. Collection method: clinical testing. Allele origin: germline.
Comment: This variant is classified as likely benign based on ACMG/AMP sequence variant interpretation guidelines (Richards et al. 2015 PMID: 25741868, with internal and published modifications).

Labcorp Genetics (formerly Invitae), Labcorp
Classification: Likely benign. Last evaluated: 2023-11-27. Review status: criteria provided, single submitter. Criteria: Invitae Variant Classification Sherloc (09022015). Collection method: clinical testing. Allele origin: germline.

NM_004958.4(MTOR):c.5568C>T (p.Thr1856=)

Gene: MTOR (mechanistic target of rapamycin kinase; minus strand). Cytogenetic location: 1p36.22.
Variant type: single nucleotide variant.
Coding change: c.5568C>T on transcript NM_004958.4 (MANE Select); coding-DNA position 5568, C replaced by T.
Protein change: p.Thr1856=; no amino-acid change (threonine 1856 retained).
Molecular consequence: synonymous variant.
Genome position (GRCh38, 1-based): chr1:11,130,574, G>A on the plus strand (C>T on the coding strand, the complement: MTOR is on the minus strand). VCF-style: chr1-11130574-G-A. GRCh37 (hg19) VCF-style: chr1-11190631-G-A.
Other names: c.5568C>T, p.Thr1856= (NM_001386500.1); c.4320C>T, p.Thr1440= (NM_001386501.1); c.5568C>T (NM_004958.3).
Identifiers: ClinVar variation 1095927 (VCV001095927.10), dbSNP rs752534691, ClinGen allele CA589305.
Genomic context (GRCh38, chr1:11,130,574, plus strand): 5'-AGAAGGGAAGGGTACCTCAGTGACCTTCTTCTGCAGCGGCGATGGGGTGGGGCTGTTCTC[G>A]GTGCTCTCGGCCTCGCTCTCACTGTTGCTGCCCTCGGTGCTGGCAGTGGTGGTGGCAGTG-3'
Protein context (NP_004949.1, residues 1846-1866): GSNSESEAES[Thr1856=]ENSPTPSPLQ